The following is an entry in ClinVar:

NM_012123.4(MTO1):c.1757-3C>T

Gene: MTO1 (mitochondrial tRNA translation optimization 1; plus strand). Cytogenetic location: 6q13.
Variant type: single nucleotide variant.
Coding change: c.1757-3C>T on transcript NM_012123.4 (MANE Select); 3 bases into the intron before coding-DNA position 1757, C replaced by T.
Molecular consequence: intron variant.
Genome position (GRCh38, 1-based): chr6:73,497,733, C>T. VCF-style: chr6-73497733-C-T. GRCh37 (hg19) VCF-style: chr6-74207456-C-T.
Other names: c.1832-3C>T (NM_133645.3); c.1877-3C>T (NM_001123226.2).
Identifiers: ClinVar variation 1311981 (VCV001311981.2), dbSNP rs2150044927, ClinGen allele CA2573052733.
Genomic context (GRCh38, chr6:73,497,733, plus strand): 5'-AATGTAAGTTGTTAGTATAATATAATCTGGGTATTATAACATGATTCTGATTTTGTTGAC[C>T]AGCCACTTATGAATCAGTGTTGTTCCATCAACTACAAGAAATAAAGGGAGTTCAGCAAGA-3'

ClinVar aggregate classification (germline): Uncertain significance (1 of 4 stars; one submission).

Submission:

GeneDx
Classification: Uncertain significance. Last evaluated: 2020-01-14. Review status: criteria provided, single submitter. Criteria: GeneDx Variant Classification Process June 2021. Collection method: clinical testing. Allele origin: germline. Affected: yes.
Comment: Not observed in large population cohorts (Lek et al., 2016); Has not been previously published as pathogenic or benign to our knowledge; In-silico analysis, which includes splice predictors and evolutionary conservation, is inconclusive as to whether the variant alters gene splicing. In the absence of RNA/functional studies, the actual effect of this sequence change is unknown.